The following is an entry in ClinVar:

GRCh38/hg38 16p13.11-12.3(chr16:15050263-18212997)x3

Genes: ABCC1 (ATP binding cassette subfamily C member 1 (ABCC1 blood group); plus strand), ABCC6 (ATP binding cassette subfamily C member 6; minus strand), BMERB1 (bMERB domain containing 1; plus strand), CEP20 (centrosomal protein 20; minus strand), MARF1 (meiosis regulator and mRNA stability factor 1; minus strand) and 71 more. Cytogenetic location: 16p13.11-12.3.
Variant type: copy number gain.
Change: copy number 3 (three copies instead of two) of chr16:15,050,263-18,212,997 (3.16 Mb, GRCh38 coordinates, 1-based), cytogenetic band 16p13.11-12.3.
Identifiers: ClinVar variation 57661 (VCV000057661.1).

ClinVar aggregate classification (germline): Uncertain significance (1 of 4 stars; one submission).

Submission:

ISCA site 15
Classification: Uncertain significance. Last evaluated: 2011-08-12. Review status: criteria provided, single submitter. Criteria: Kaminsky et al. (Genet Med. 2011). Collection method: clinical testing. Allele origin: de novo. Affected: yes. Observed: 1 variant allele.
Comment: Copy number variation identified through the course of routine clinical cytogenomic testing in postnatal populations. Clinical assertions have been curated as described in Kaminsky et al. 2011.